The following is an entry in ClinVar:

NM_001378454.1(ALMS1):c.4060A>C (p.Thr1354Pro)

Gene: ALMS1 (ALMS1 centrosome and basal body associated protein; plus strand). Cytogenetic location: 2p13.1.
Variant type: single nucleotide variant.
Coding change: c.4060A>C on transcript NM_001378454.1 (MANE Select); coding-DNA position 4060, A replaced by C.
Protein change: p.Thr1354Pro; replaces threonine 1354 with proline.
Molecular consequence: missense variant.
Genome position (GRCh38, 1-based): chr2:73,450,587, A>C. VCF-style: chr2-73450587-A-C. GRCh37 (hg19) VCF-style: chr2-73677714-A-C.
Other names: c.4063A>C, p.Thr1355Pro (NM_015120.4); short protein forms T1355P, T1354P.
Identifiers: ClinVar variation 1404445 (VCV001404445.3), dbSNP rs1330377280, ClinGen allele CA347277378.

ClinVar aggregate classification (germline): Uncertain significance (1 of 4 stars; one submission).

Conditions:
Alstrom syndrome (ALMS). Identifiers: Orphanet 64, MedGen C0268425, MONDO:0008763, OMIM 203800.

Submission:

Labcorp Genetics (formerly Invitae), Labcorp
Classification: Uncertain significance for Alstrom syndrome. Last evaluated: 2022-08-09. Review status: criteria provided, single submitter. Criteria: Invitae Variant Classification Sherloc (09022015). Collection method: clinical testing. Allele origin: germline.
Comment: This sequence change replaces threonine, which is neutral and polar, with proline, which is neutral and non-polar, at codon 1355 of the ALMS1 protein (p.Thr1355Pro). The frequency data for this variant in the population databases is considered unreliable, as metrics indicate poor data quality at this position in the gnomAD database. This variant has not been reported in the literature in individuals affected with ALMS1-related conditions. ClinVar contains an entry for this variant (Variation ID: 1404445). Experimental studies and prediction algorithms are not available or were not evaluated, and the functional significance of this variant is currently unknown. In summary, the available evidence is currently insufficient to determine the role of this variant in disease. Therefore, it has been classified as a Variant of Uncertain Significance.